The following is an entry in ClinVar:

ClinVar aggregate classification (germline): Likely benign (1 of 4 stars; one submission).

gnomAD v4.1: 1 of 1,612,984 alleles (0.000062%); highest among the groups gnomAD compares: Non-Finnish European, 0.000085%; no homozygotes.

Submission:

CeGaT Center for Human Genetics Tuebingen
Classification: Likely benign. Last evaluated: 2025-04-01. Review status: criteria provided, single submitter. Criteria: CeGaT Center For Human Genetics Tuebingen Variant Classification Criteria Version 2. Collection method: clinical testing. Allele origin: germline. Affected: yes. Observed: 1 variant allele.
Comment: TNXB: BP4, BP7

NM_001365276.2(TNXB):c.7896G>A (p.Gly2632=)

Gene: TNXB (tenascin XB; minus strand). Cytogenetic location: 6p21.33.
Variant type: single nucleotide variant.
Coding change: c.7896G>A on transcript NM_001365276.2 (MANE Select); coding-DNA position 7896, G replaced by A.
Protein change: p.Gly2632=; no amino-acid change (glycine 2632 retained).
Molecular consequence: synonymous variant.
Genome position (GRCh38, 1-based): chr6:32,056,833, C>T on the plus strand (G>A on the coding strand, the complement: TNXB is on the minus strand). VCF-style: chr6-32056833-C-T. GRCh37 (hg19) VCF-style: chr6-32024610-C-T.
Other names: c.8637G>A, p.Gly2879= (NM_001428335.1); c.7896G>A, p.Gly2632= (NM_019105.8).
Identifiers: ClinVar variation 3898533 (VCV003898533.7).